The following is an entry in ClinVar:

ClinVar aggregate classification (germline): Likely benign (0 of 4 stars; one submission).

Conditions:
NME8-related disorder. Also called: NME8-related condition.

Allele frequency attached by ClinVar (database versions not stated): gnomAD exomes below 0.00001; ExAC 0.00001; gnomAD 0.00001; TOPMed 0.00001.
gnomAD v4.1: 3 of 1,613,322 alleles (0.00019%); highest among the groups gnomAD compares: Non-Finnish European, 0.00025%; no homozygotes.

Submission:

PreventionGenetics, part of Exact Sciences
Classification: Likely benign for NME8-related condition. Last evaluated: 2019-05-07. Review status: no assertion criteria provided. Collection method: clinical testing. Allele origin: germline.
Comment: This variant is classified as likely benign based on ACMG/AMP sequence variant interpretation guidelines (Richards et al. 2015 PMID: 25741868, with internal and published modifications).

NM_016616.5(NME8):c.645T>C (p.Ser215=)

Gene: NME8 (NME/NM23 family member 8; plus strand). Cytogenetic location: 7p14.1.
Variant type: single nucleotide variant.
Coding change: c.645T>C on transcript NM_016616.5 (MANE Select); coding-DNA position 645, T replaced by C.
Protein change: p.Ser215=; no amino-acid change (serine 215 retained).
Molecular consequence: synonymous variant.
Genome position (GRCh38, 1-based): chr7:37,867,725, T>C. VCF-style: chr7-37867725-T-C. GRCh37 (hg19) VCF-style: chr7-37907327-T-C.
Identifiers: ClinVar variation 3041591 (VCV003041591.2), dbSNP rs753326006, ClinGen allele CA4222296.
Genomic context (GRCh38, chr7:37,867,725, plus strand): 5'-GAGCCTGAAGGAAACAGTTTATCATTTTATTTTGTAGTGTGACTTCGAAGAGTTTGTCTC[T>C]TTTATGACAAGTGGCTTAAGCTATATTCTAGTTGTATCTCAAGGAAGTAAACACAATCCT-3'
Protein context (NP_057700.3, residues 205-225): ADQCDFEEFV[Ser215=]FMTSGLSYIL